The following is an entry in ClinVar:

ClinVar aggregate classification (germline): Uncertain significance (1 of 4 stars; one submission).

Allele frequency attached by ClinVar (database versions not stated): gnomAD exomes below 0.00001.
gnomAD v4.1: 3 of 1,604,870 alleles (0.00019%); highest among the groups gnomAD compares: East Asian, 0.0022%; no homozygotes.

Submission:

Labcorp Genetics (formerly Invitae), Labcorp
Classification: Uncertain significance. Last evaluated: 2024-07-09. Review status: criteria provided, single submitter. Criteria: Invitae Variant Classification Sherloc (09022015). Collection method: clinical testing. Allele origin: germline.
Comment: This sequence change replaces glutamine, which is neutral and polar, with proline, which is neutral and non-polar, at codon 1149 of the CCDC141 protein (p.Gln1149Pro). This variant is present in population databases (no rsID available, gnomAD 0.006%). This variant has not been reported in the literature in individuals affected with CCDC141-related conditions. An algorithm developed to predict the effect of missense changes on protein structure and function (PolyPhen-2) suggests that this variant is likely to be tolerated. In summary, the available evidence is currently insufficient to determine the role of this variant in disease. Therefore, it has been classified as a Variant of Uncertain Significance.

NM_173648.4(CCDC141):c.3446A>C (p.Gln1149Pro)

Gene: CCDC141 (coiled-coil domain containing 141; minus strand). Cytogenetic location: 2q31.2.
Variant type: single nucleotide variant.
Coding change: c.3446A>C on transcript NM_173648.4 (MANE Select); coding-DNA position 3446, A replaced by C.
Protein change: p.Gln1149Pro; replaces glutamine 1149 with proline.
Molecular consequence: missense variant.
Genome position (GRCh38, 1-based): chr2:178,845,654, T>G on the plus strand (A>C on the coding strand, the complement: CCDC141 is on the minus strand). VCF-style: chr2-178845654-T-G. GRCh37 (hg19) VCF-style: chr2-179710381-T-G.
Other names: short protein forms Q1149P.
Identifiers: ClinVar variation 2960842 (VCV002960842.3), dbSNP rs1476012042, ClinGen allele CA349433656.